The following is an entry in ClinVar:

NM_001393586.1(MYO7B):c.4947G>A (p.Glu1649=)

Gene: MYO7B (myosin VIIB; plus strand). Cytogenetic location: 2q14.3.
Variant type: single nucleotide variant.
Coding change: c.4947G>A on transcript NM_001393586.1 (MANE Select); coding-DNA position 4947, G replaced by A.
Protein change: p.Glu1649=; no amino-acid change (glutamic acid 1649 retained).
Molecular consequence: synonymous variant.
Genome position (GRCh38, 1-based): chr2:127,631,215, G>A. VCF-style: chr2-127631215-G-A. GRCh37 (hg19) VCF-style: chr2-128388790-G-A.
Other names: c.4869G>A, p.Glu1623= (NM_001080527.2); c.1428G>A, p.Glu476= (NM_001393594.1).
Identifiers: ClinVar variation 3056512 (VCV003056512.2), dbSNP rs13025791, ClinGen allele CA1862077.

ClinVar aggregate classification (germline): Benign (0 of 4 stars; one submission).

Conditions:
MYO7B-related disorder. Also called: MYO7B-related condition.

Allele frequency attached by ClinVar (database versions not stated): TOPMed 0.14352; ESP Exome Variant Server 0.14909; gnomAD 0.15980; 1000 Genomes Project 0.16813; 1000 Genomes Project 30x 0.16818; gnomAD exomes 0.19641; ExAC 0.20851.
gnomAD v4.1: 307,940 of 1,599,750 alleles (19%); highest among the groups gnomAD compares: South Asian, 31%; 31,595 homozygotes.

Submission:

PreventionGenetics, part of Exact Sciences
Classification: Benign for MYO7B-related condition. Last evaluated: 2019-10-21. Review status: no assertion criteria provided. Collection method: clinical testing. Allele origin: germline.
Comment: This variant is classified as benign based on ACMG/AMP sequence variant interpretation guidelines (Richards et al. 2015 PMID: 25741868, with internal and published modifications).